The following is an entry in ClinVar:

ClinVar aggregate classification (germline): Likely benign. Review status: reviewed by expert panel (3 of 4 stars). 2 submissions from 2 submitters: Likely benign (1). 1 of the submissions does not count toward it. Last evaluated 2024-11-04.

Conditions:
Hereditary thrombocytopenia and hematologic cancer predisposition syndrome. Identifiers: Orphanet 71290, MedGen CN281654, MONDO:0011071.
Hereditary thrombocytopenia and hematological cancer predisposition syndrome associated with RUNX1. Also called: RUNX1 Familial Platelet Disorder with Associated Myeloid Malignancies; Familial Platelet Disorder with Propensity to Acute Myelogenous Leukemia; Familial thrombocytopenia with propensity to acute myelogenous leukemia; PLATELET DISORDER, ASPIRIN-LIKE. Identifiers: Orphanet 71290, MedGen C1832388, MeSH C563324, MONDO:0100083, OMIM 601399.

gnomAD v4.1: 9 of 1,612,584 alleles (0.00056%); highest among the groups gnomAD compares: South Asian, 0.0033%; no homozygotes.

Submissions (2):

ClinGen Myeloid Malignancy Variant Curation Expert Panel
Classification: Likely benign for Hereditary thrombocytopenia and hematologic cancer predisposition syndrome. Last evaluated: 2024-11-04. Review status: reviewed by expert panel. Criteria: ClinGen MyeloMalig ACMG Specifications v2. Collection method: curation. Allele origin: germline. Inheritance: Autosomal dominant inheritance.
Comment: NM_001754.5(RUNX1):c.351+10C>G is an intronic variant which has not been featured in functional or case studies. Computational data has been used to evaluate this variant. It has a SpliceAI score of 0 and a PhyloP score of -0.6, allowing for the application of both BP4 and BP7. In summary, this variant meets criteria to be classified as likely benign. ACMG/AMP criteria applied, as specified by the Myeloid Malignancy Variant Curation Expert Panel for RUNX1: BP4, BP7.

Labcorp Genetics (formerly Invitae), Labcorp
Classification: Likely benign for Hereditary thrombocytopenia and hematological cancer predisposition syndrome associated with RUNX1. Last evaluated: 2025-05-27. Review status: criteria provided, single submitter. Criteria: Invitae Variant Classification Sherloc (09022015). Collection method: clinical testing. Allele origin: germline. Not counted in ClinVar's aggregate classification.

NM_001754.5(RUNX1):c.351+10C>G

Gene: RUNX1 (RUNX family transcription factor 1; minus strand). Cytogenetic location: 21q22.12.
Variant type: single nucleotide variant.
Coding change: c.351+10C>G on transcript NM_001754.5 (MANE Select); 10 bases into the intron after coding-DNA position 351, C replaced by G.
Molecular consequence: intron variant.
Genome position (GRCh38, 1-based): chr21:34,886,833, G>C on the plus strand (C>G on the coding strand, the complement: RUNX1 is on the minus strand). VCF-style: chr21-34886833-G-C. GRCh37 (hg19) VCF-style: chr21-36259130-G-C.
Other names: c.270+10C>G (NM_001001890.3, NM_001122607.2).
Identifiers: ClinVar variation 1594312 (VCV001594312.9), dbSNP rs776306850, ClinGen allele CA320642592.